The following is an entry in ClinVar:

NM_014795.4(ZEB2):c.2221T>C (p.Ser741Pro)

Gene: ZEB2 (zinc finger E-box binding homeobox 2; minus strand). Cytogenetic location: 2q22.3.
Variant type: single nucleotide variant.
Coding change: c.2221T>C on transcript NM_014795.4 (MANE Select); coding-DNA position 2221, T replaced by C.
Protein change: p.Ser741Pro; replaces serine 741 with proline.
Molecular consequence: missense variant.
Genome position (GRCh38, 1-based): chr2:144,398,966, A>G on the plus strand (T>C on the coding strand, the complement: ZEB2 is on the minus strand). VCF-style: chr2-144398966-A-G. GRCh37 (hg19) VCF-style: chr2-145156533-A-G.
Other names: c.2149T>C, p.Ser717Pro (NM_001171653.2); short protein forms S717P, S741P.
Identifiers: ClinVar variation 2911817 (VCV002911817.3), dbSNP rs2149876753, ClinGen allele CA348708764.
Genomic context (GRCh38, chr2:144,398,966, plus strand): 5'-TTAGCCTGAGAGGAGGATCACAATTCGTAACACTGTTGTGGAGTTCTGCTATAGATGGTG[A>G]TGTTATGGAGTCCATAGGTTTTACAGGAGACCTGGGTAATAAAGAGTCTTTTGTGGGAGG-3'
Protein context (NP_055610.1, residues 731-751): SPVKPMDSIT[Ser741Pro]PSIAELHNSV

ClinVar aggregate classification (germline): Uncertain significance (1 of 4 stars; one submission).

Conditions:
Mowat-Wilson syndrome (MOWS). Also called: Classic Mowat-Wilson Syndrome. Identifiers: Orphanet 2152, MedGen C1856113, MONDO:0009341, OMIM 235730.

Allele frequency attached by ClinVar (database versions not stated): gnomAD exomes below 0.00001.
gnomAD v4.1: 1 of 1,614,170 alleles (0.000062%); highest among the groups gnomAD compares: East Asian, 0.0022%; no homozygotes.

Submission:

Labcorp Genetics (formerly Invitae), Labcorp
Classification: Uncertain significance for Mowat-Wilson syndrome. Last evaluated: 2024-01-17. Review status: criteria provided, single submitter. Criteria: Invitae Variant Classification Sherloc (09022015). Collection method: clinical testing. Allele origin: germline.
Comment: This sequence change replaces serine, which is neutral and polar, with proline, which is neutral and non-polar, at codon 741 of the ZEB2 protein (p.Ser741Pro). This variant is not present in population databases (gnomAD no frequency). This variant has not been reported in the literature in individuals affected with ZEB2-related conditions. Advanced modeling of protein sequence and biophysical properties (such as structural, functional, and spatial information, amino acid conservation, physicochemical variation, residue mobility, and thermodynamic stability) performed at Invitae indicates that this missense variant is not expected to disrupt ZEB2 protein function with a negative predictive value of 80%. In summary, the available evidence is currently insufficient to determine the role of this variant in disease. Therefore, it has been classified as a Variant of Uncertain Significance.